The following is an entry in ClinVar:

NM_000064.4(C3):c.148C>G (p.Gln50Glu)

Gene: C3 (complement C3; minus strand). Cytogenetic location: 19p13.3.
Variant type: single nucleotide variant.
Coding change: c.148C>G on transcript NM_000064.4 (MANE Select); coding-DNA position 148, C replaced by G.
Protein change: p.Gln50Glu; replaces glutamine 50 with glutamic acid.
Molecular consequence: missense variant.
Genome position (GRCh38, 1-based): chr19:6,719,330, G>C on the plus strand (C>G on the coding strand, the complement: C3 is on the minus strand). VCF-style: chr19-6719330-G-C. GRCh37 (hg19) VCF-style: chr19-6719341-G-C.
Other names: short protein forms Q50E.
Identifiers: ClinVar variation 2985810 (VCV002985810.3), dbSNP rs780548430, ClinGen allele CA9129887.

ClinVar aggregate classification (germline): Uncertain significance (1 of 4 stars; one submission).

Allele frequency attached by ClinVar (database versions not stated): ExAC 0.00001.

Submission:

Labcorp Genetics (formerly Invitae), Labcorp
Classification: Uncertain significance. Last evaluated: 2024-01-13. Review status: criteria provided, single submitter. Criteria: Invitae Variant Classification Sherloc (09022015). Collection method: clinical testing. Allele origin: germline.
Comment: This sequence change replaces glutamine, which is neutral and polar, with glutamic acid, which is acidic and polar, at codon 50 of the C3 protein (p.Gln50Glu). This variant is present in population databases (rs780548430, gnomAD 0.0009%). This variant has not been reported in the literature in individuals affected with C3-related conditions. Advanced modeling of protein sequence and biophysical properties (such as structural, functional, and spatial information, amino acid conservation, physicochemical variation, residue mobility, and thermodynamic stability) performed at Invitae indicates that this missense variant is not expected to disrupt C3 protein function with a negative predictive value of 80%. In summary, the available evidence is currently insufficient to determine the role of this variant in disease. Therefore, it has been classified as a Variant of Uncertain Significance.